The following is an entry in ClinVar:

NM_004655.4(AXIN2):c.1684C>G (p.Pro562Ala)

Gene: AXIN2 (axin 2; minus strand). Cytogenetic location: 17q24.1.
Variant type: single nucleotide variant.
Coding change: c.1684C>G on transcript NM_004655.4 (MANE Select); coding-DNA position 1684, C replaced by G.
Protein change: p.Pro562Ala; replaces proline 562 with alanine.
Molecular consequence: missense variant.
Genome position (GRCh38, 1-based): chr17:65,537,352, G>C on the plus strand (C>G on the coding strand, the complement: AXIN2 is on the minus strand). VCF-style: chr17-65537352-G-C. GRCh37 (hg19) VCF-style: chr17-63533470-G-C.
Other names: c.1684C>G, p.Pro562Ala (NM_001363813.1); short protein forms P562A.
Identifiers: ClinVar variation 3470971 (VCV003470971.1).

ClinVar aggregate classification (germline): Uncertain significance (1 of 4 stars; one submission).

Conditions:
Hereditary cancer-predisposing syndrome. Also called: Tumor predisposition; Neoplastic Syndromes, Hereditary; Hereditary neoplastic syndrome; Hereditary Cancer Syndrome. Identifiers: Orphanet 140162, MedGen C0027672, MeSH D009386, MONDO:0015356.

Submission:

Ambry Genetics
Classification: Uncertain significance for Hereditary cancer-predisposing syndrome. Last evaluated: 2024-11-25. Review status: criteria provided, single submitter. Criteria: Ambry Variant Classification Scheme 2023. Collection method: clinical testing. Allele origin: germline.
Comment: The p.P562A variant (also known as c.1684C>G), located in coding exon 5 of the AXIN2 gene, results from a C to G substitution at nucleotide position 1684. The proline at codon 562 is replaced by alanine, an amino acid with highly similar properties. This amino acid position is conserved. In addition, this alteration is predicted to be tolerated by in silico analysis. Based on the available evidence, the clinical significance of this variant remains unclear.